The following is an entry in ClinVar:

ClinVar aggregate classification (germline): Uncertain significance (1 of 4 stars; one submission).

Conditions:
Wolfram syndrome 1 (WFS1). Identifiers: Orphanet 3463, MedGen C4551693, MONDO:0009101, OMIM 222300.

Submission:

Clinical Genomics, Uppaluri K&H Personalized Medicine Clinic
Classification: Uncertain significance for Wolfram syndrome 1. Review status: criteria provided, single submitter. Criteria: K & H Uppaluri Personalized Medicine Clinic Variant Classification & Assertion Criteria_Updated V.1. Collection method: research. Allele origin: unknown. Inheritance: Autosomal recessive inheritance.
Comment: Potent mutations in WFS1 gene are associated with Wolfram's syndrome, an autosomal recessive condition, which cause diabetes mellitus, diabetes insipidus, deafness and optic atrophy.However no sufficient evidence is found to ascertain the role of this particular variant rs886059540 in Wolfram's syndrome yet.

Literature cited by the submitters: PubMed 20738327; PubMed 33879153; PubMed 12955714; PubMed 18060660; PubMed 20301750; PubMed 17603484.

NM_006005.3(WFS1):c.*683delinsTGTGGGGGA

Gene: WFS1 (wolframin ER transmembrane glycoprotein; plus strand). Cytogenetic location: 4p16.1.
Variant type: Indel.
Coding change: c.*683delinsTGTGGGGGA on transcript NM_006005.3 (MANE Select); 683 bases downstream of the stop codon, C replaced by TGTGGGGGA.
Molecular consequence: 3 prime UTR variant.
Genome position (GRCh38, 1-based): chr4:6,303,151, C replaced by TGTGGGGGA. VCF-style: chr4-6303151-C-TGTGGGGGA. GRCh37 (hg19) VCF-style: chr4-6304878-C-TGTGGGGGA.
Other names: c.*683delinsTGTGGGGGA (NM_001145853.1).
Identifiers: ClinVar variation 2429730 (VCV002429730.1), dbSNP rs886059540, ClinGen allele CA917120760.